The following is an entry in ClinVar:

NM_033004.4(NLRP1):c.3112T>C (p.Phe1038Leu)

Gene: NLRP1 (NLR family pyrin domain containing 1; minus strand). Cytogenetic location: 17p13.2.
Variant type: single nucleotide variant.
Coding change: c.3112T>C on transcript NM_033004.4 (MANE Select); coding-DNA position 3112, T replaced by C.
Protein change: p.Phe1038Leu; replaces phenylalanine 1038 with leucine.
Molecular consequence: missense variant.
Genome position (GRCh38, 1-based): chr17:5,533,325, A>G on the plus strand (T>C on the coding strand, the complement: NLRP1 is on the minus strand). VCF-style: chr17-5533325-A-G. GRCh37 (hg19) VCF-style: chr17-5436645-A-G.
Other names: c.3112T>C, p.Phe1038Leu (NM_001033053.3, NM_014922.5); c.3022T>C, p.Phe1008Leu (NM_033006.4, NM_033007.4); short protein forms F1008L, F1038L.
Identifiers: ClinVar variation 2875875 (VCV002875875.3), dbSNP rs903368904, ClinGen allele CA287286853.

ClinVar aggregate classification (germline): Uncertain significance (1 of 4 stars; one submission).

Allele frequency attached by ClinVar (database versions not stated): gnomAD 0.00001; TOPMed 0.00001.

Submission:

Labcorp Genetics (formerly Invitae), Labcorp
Classification: Uncertain significance. Last evaluated: 2023-06-14. Review status: criteria provided, single submitter. Criteria: Invitae Variant Classification Sherloc (09022015). Collection method: clinical testing. Allele origin: germline.
Comment: This variant has not been reported in the literature in individuals affected with NLRP1-related conditions. This variant is present in population databases (no rsID available, gnomAD 0.01%). This sequence change replaces phenylalanine, which is neutral and non-polar, with leucine, which is neutral and non-polar, at codon 1038 of the NLRP1 protein (p.Phe1038Leu). An algorithm developed to predict the effect of missense changes on protein structure and function (PolyPhen-2) suggests that this variant is likely to be tolerated. In summary, the available evidence is currently insufficient to determine the role of this variant in disease. Therefore, it has been classified as a Variant of Uncertain Significance.